The following is an entry in ClinVar:

NM_005450.6(NOG):c.119A>C (p.Asn40Thr)

Gene: NOG (noggin; plus strand). Cytogenetic location: 17q22.
Variant type: single nucleotide variant.
Coding change: c.119A>C on transcript NM_005450.6 (MANE Select); coding-DNA position 119, A replaced by C.
Protein change: p.Asn40Thr; replaces asparagine 40 with threonine.
Molecular consequence: missense variant.
Genome position (GRCh38, 1-based): chr17:56,594,342, A>C. VCF-style: chr17-56594342-A-C. GRCh37 (hg19) VCF-style: chr17-54671703-A-C.
Other names: short protein forms N40T.
Identifiers: ClinVar variation 4720584 (VCV004720584.1).

ClinVar aggregate classification (germline): Uncertain significance (1 of 4 stars; one submission).

Submission:

Labcorp Genetics (formerly Invitae), Labcorp
Classification: Uncertain significance. Last evaluated: 2025-06-12. Review status: criteria provided, single submitter. Criteria: Invitae Variant Classification Sherloc (09022015). Collection method: clinical testing. Allele origin: germline.
Comment: This sequence change replaces asparagine, which is neutral and polar, with threonine, which is neutral and polar, at codon 40 of the NOG protein (p.Asn40Thr). This variant is not present in population databases (gnomAD no frequency). This variant has not been reported in the literature in individuals affected with NOG-related conditions. An algorithm developed to predict the effect of missense changes on protein structure and function (PolyPhen-2) suggests that this variant is likely to be tolerated. In summary, the available evidence is currently insufficient to determine the role of this variant in disease. Therefore, it has been classified as a Variant of Uncertain Significance.